The following is an entry in ClinVar:

NM_145262.4(GLYCTK):c.1323G>A (p.Pro441=)

Gene: GLYCTK (glycerate kinase; plus strand). Cytogenetic location: 3p21.2.
Variant type: single nucleotide variant.
Coding change: c.1323G>A on transcript NM_145262.4 (MANE Select); coding-DNA position 1323, G replaced by A.
Protein change: p.Pro441=; no amino-acid change (proline 441 retained).
Molecular consequence: synonymous variant. On other transcripts: 3 prime UTR variant (1), non-coding transcript variant (2).
Genome position (GRCh38, 1-based): chr3:52,292,877, G>A. VCF-style: chr3-52292877-G-A. GRCh37 (hg19) VCF-style: chr3-52326893-G-A.
Other names: c.*442G>A (NM_001144951.2).
Identifiers: ClinVar variation 1986324 (VCV001986324.28), dbSNP rs780986541, ClinGen allele CA2432300.

ClinVar aggregate classification (germline): Likely benign. Review status: criteria provided, multiple submitters, no conflicts (2 of 4 stars). 2 submissions from 2 submitters: Likely benign (2). Last evaluated 2024-02-05.

Allele frequency attached by ClinVar (database versions not stated): gnomAD 0.00001; ExAC 0.00002; TOPMed 0.00002.
gnomAD v4.1: 19 of 1,613,960 alleles (0.0012%); highest among the groups gnomAD compares: Middle Eastern, 0.016%; no homozygotes.

Submissions (2):

Labcorp Genetics (formerly Invitae), Labcorp
Classification: Likely benign. Last evaluated: 2024-02-05. Review status: criteria provided, single submitter. Criteria: Invitae Variant Classification Sherloc (09022015). Collection method: clinical testing. Allele origin: germline.

CeGaT Center for Human Genetics Tuebingen
Classification: Likely benign. Last evaluated: 2022-07-01. Review status: criteria provided, single submitter. Criteria: CeGaT Center For Human Genetics Tuebingen Variant Classification Criteria Version 2. Collection method: clinical testing. Allele origin: germline. Affected: yes. Observed: 1 variant allele.
Comment: GLYCTK: BP4, BP7